The following is an entry in ClinVar:

ClinVar aggregate classification (germline): Likely benign (1 of 4 stars; one submission).

Allele frequency attached by ClinVar (database versions not stated): gnomAD 0.00009; ExAC 0.00016; 1000 Genomes Project 30x 0.00094; 1000 Genomes Project 0.00100; gnomAD exomes 0.00002; TOPMed 0.00008.

Submission:

CeGaT Center for Human Genetics Tuebingen
Classification: Likely benign. Last evaluated: 2022-04-01. Review status: criteria provided, single submitter. Criteria: CeGaT Center For Human Genetics Tuebingen Variant Classification Criteria Version 2. Collection method: clinical testing. Allele origin: germline. Affected: yes. Observed: 1 variant allele.
Comment: VPS39: BP4

NM_015289.5(VPS39):c.1213C>T (p.Leu405=)

Gene: VPS39 (VPS39 subunit of HOPS complex; minus strand). Cytogenetic location: 15q15.1.
Variant type: single nucleotide variant.
Coding change: c.1213C>T on transcript NM_015289.5 (MANE Select); coding-DNA position 1213, C replaced by T.
Protein change: p.Leu405=; no amino-acid change (leucine 405 retained).
Molecular consequence: synonymous variant.
Genome position (GRCh38, 1-based): chr15:42,169,744, G>A on the plus strand (C>T on the coding strand, the complement: VPS39 is on the minus strand). VCF-style: chr15-42169744-G-A. GRCh37 (hg19) VCF-style: chr15-42461942-G-A.
Other names: c.1246C>T, p.Leu416= (NM_001301138.3).
Identifiers: ClinVar variation 2645236 (VCV002645236.24), dbSNP rs200982033, ClinGen allele CA7508625.